The following is an entry in ClinVar:

NM_022437.3(ABCG8):c.63+40G>A

Genes: ABCG5 (ATP binding cassette subfamily G member 5; minus strand), ABCG8 (ATP binding cassette subfamily G member 8; plus strand). Cytogenetic location: 2p21.
Variant type: single nucleotide variant.
Coding change: c.63+40G>A on transcript NM_022437.3 (MANE Select); 40 bases into the intron after coding-DNA position 63, G replaced by A.
Molecular consequence: intron variant.
Genome position (GRCh38, 1-based): chr2:43,839,156, G>A. VCF-style: chr2-43839156-G-A. GRCh37 (hg19) VCF-style: chr2-44066295-G-A.
Other names: NC_000002.11:g.44066295G>A; p.?; c.63+40G>A (NM_001357321.2).
Identifiers: ClinVar variation 1223571 (VCV001223571.12), dbSNP rs148770185, ClinGen allele CA1636863.

ClinVar aggregate classification (germline): Benign/Likely benign. Review status: criteria provided, multiple submitters, no conflicts (2 of 4 stars). 4 submissions from 4 submitters: Benign (1); Likely benign (3). Last evaluated 2025-11-01.

Allele frequency attached by ClinVar (database versions not stated): 1000 Genomes Project 0.00280; gnomAD 0.00295 and 0.00327; 1000 Genomes Project 30x 0.00312; TOPMed 0.00334; ESP Exome Variant Server 0.00434.
gnomAD v4.1: 916 of 1,545,596 alleles (0.059%); highest among the groups gnomAD compares: African/African-American, 1.1%; 5 homozygotes.

Submissions (5):

CeGaT Center for Human Genetics Tuebingen
Classification: Likely benign. Last evaluated: 2025-11-01. Review status: criteria provided, single submitter. Criteria: CeGaT Center For Human Genetics Tuebingen Variant Classification Criteria Version 2. Collection method: clinical testing. Allele origin: germline. Affected: yes. Observed: 2 variant alleles.
Comment: ABCG8: BS1

Mayo Clinic Laboratories, Mayo Clinic
Classification: Benign. Last evaluated: 2024-01-31. Review status: criteria provided, single submitter. Criteria: ACMG Guidelines, 2015. Collection method: clinical testing. Allele origin: germline. Observed: 4 variant alleles.

GeneDx
Classification: Likely benign. Last evaluated: 2018-07-14. Review status: criteria provided, single submitter. Criteria: GeneDx Variant Classification Process June 2021. Collection method: clinical testing. Allele origin: germline. Affected: yes.

Breakthrough Genomics
Classification: Likely benign. Review status: criteria provided, single submitter. Criteria: ACMG Guidelines, 2015. Collection method: not provided. Allele origin: germline. Inheritance: Autosomal recessive inheritance. Affected: yes.

Dr. Peter K. Rogan Lab, Western University
No classification provided (evidence only). Condition: Familial cancer of breast. Review status: no classification provided. Collection method: in vitro. Allele origin: not applicable. Functional consequence: retained intron. Not counted in ClinVar's aggregate classification.